The following is an entry in ClinVar:

NM_001232.4(CASQ2):c.783+3A>T

Gene: CASQ2 (calsequestrin 2; minus strand). Cytogenetic location: 1p13.1.
Variant type: single nucleotide variant.
Coding change: c.783+3A>T on transcript NM_001232.4 (MANE Select); 3 bases into the intron after coding-DNA position 783, A replaced by T.
Molecular consequence: intron variant.
Genome position (GRCh38, 1-based): chr1:115,725,505, T>A on the plus strand (A>T on the coding strand, the complement: CASQ2 is on the minus strand). VCF-style: chr1-115725505-T-A. GRCh37 (hg19) VCF-style: chr1-116268126-T-A.
Identifiers: ClinVar variation 228469 (VCV000228469.4), dbSNP rs876657751, ClinGen allele CA10576357.

ClinVar aggregate classification (germline): Uncertain significance (1 of 4 stars; one submission).

gnomAD v4.1: 2 of 1,610,140 alleles (0.00012%); highest among the groups gnomAD compares: Non-Finnish European, 0.00017%; no homozygotes.

Submission:

Laboratory for Molecular Medicine, Mass General Brigham Personalized Medicine
Classification: Uncertain significance. Last evaluated: 2015-06-10. Review status: criteria provided, single submitter. Criteria: LMM Criteria. Collection method: clinical testing. Allele origin: germline. Observed: 1 variant allele.
Comment: The c.783+3A>T variant in CASQ2 has not been previously reported in individuals with cardiomyopathy or in large population studies. This variant is located in t he 5' splice region. Computational tools suggest an impact to splicing. However, their accuracy is unknown and therefore this information is not predictive enou gh to determine pathogenicity. In summary, the clinical significance of the c.78 3+3A>T variant is uncertain.